The following is an entry in ClinVar:

Conditions:
Breast-ovarian cancer, familial, susceptibility to, 1 (BROVCA1). Also called: BRCA1 Hereditary Breast and Ovarian Cancer; OVARIAN CANCER, SUSCEPTIBILITY TO. Identifiers: Orphanet 145, MedGen C2676676, MONDO:0011450, OMIM 604370. Disease mechanism: loss of function.

Submission:

Brotman Baty Institute, University of Washington
No classification provided (evidence only). Condition: Breast-ovarian cancer, familial 1. Review status: no classification provided. Collection method: in vitro. Allele origin: not applicable. Functional consequence: functionally_normal.
ClinVar note: "not provided" was previously submitted as the classification for the variant. However, the classification appeared to be based only on an observation of functional data so it was converted to no classification on 2025-07-30.

NM_007294.4(BRCA1):c.5333-5T>C

Gene: BRCA1 (BRCA1 DNA repair associated; minus strand). Cytogenetic location: 17q21.31.
Variant type: single nucleotide variant.
Coding change: c.5333-5T>C on transcript NM_007294.4 (MANE Select); 5 bases into the intron before coding-DNA position 5333, T replaced by C.
Molecular consequence: intron variant.
Genome position (GRCh38, 1-based): chr17:43,049,199, A>G on the plus strand (T>C on the coding strand, the complement: BRCA1 is on the minus strand). VCF-style: chr17-43049199-A-G. GRCh37 (hg19) VCF-style: chr17-41201216-A-G.
Other names: c.5396-5T>C (NM_001407585.1, NM_007300.4, NM_001407583.1 and 1 more transcripts); c.5063-5T>C (NM_001407936.1, NM_001407934.1, NM_001407935.1); c.5186-5T>C (NM_001407849.1, NM_001407845.1, NM_001407852.1 and 12 more transcripts); c.5189-5T>C (NM_001407744.1, NM_001407750.1, NM_001407732.1 and 18 more transcripts); c.1760-5T>C (NM_001408496.1, NM_001408499.1, NM_001408498.1 and 3 more transcripts); c.5066-5T>C (NM_001407929.1, NM_001407930.1, NM_001407933.1 and 4 more transcripts); c.5069-5T>C (NM_001407924.1, NM_001407920.1, NM_001407923.1 and 4 more transcripts); c.1880-5T>C (NM_001408460.1, NM_001408465.1, NM_001408463.1 and 7 more transcripts); and 84 more.
Identifiers: ClinVar variation 868017 (VCV000868017.3), dbSNP rs2051098402, ClinGen allele CA645577430.